The following is an entry in ClinVar:

NM_004260.4(RECQL4):c.914C>T (p.Ala305Val)

Gene: RECQL4 (RecQ like helicase 4; minus strand). Cytogenetic location: 8q24.3.
Variant type: single nucleotide variant.
Coding change: c.914C>T on transcript NM_004260.4 (MANE Select); coding-DNA position 914, C replaced by T.
Protein change: p.Ala305Val; replaces alanine 305 with valine.
Molecular consequence: missense variant.
Genome position (GRCh38, 1-based): chr8:144,516,205, G>A on the plus strand (C>T on the coding strand, the complement: RECQL4 is on the minus strand). VCF-style: chr8-144516205-G-A. GRCh37 (hg19) VCF-style: chr8-145741589-G-A.
Other names: short protein forms A305V.
Identifiers: ClinVar variation 948544 (VCV000948544.9), dbSNP rs578139890, ClinGen allele CA4949143.
Genomic context (GRCh38, chr8:144,516,205, plus strand): 5'-GAGGGGCTGAGTCCGTGGTACCTGGGGTTCGATGGGCTGCTGCAGGGCTGAGGTGGCTGT[G>A]CCTGTACAGGTTCCCCTGGAGGGTCTTCCTCAACTGCTACAGCCCCAGCCCCCTCCGATG-3'
Protein context (NP_004251.4, residues 295-315): EEDPPGEPVQ[Ala305Val]QPPQPCSSPS

ClinVar aggregate classification (germline): Uncertain significance. Review status: criteria provided, multiple submitters, no conflicts (2 of 4 stars). 2 submissions from 2 submitters: Uncertain significance (2). Last evaluated 2025-08-06.

Conditions:
Inborn genetic diseases. Identifiers: MedGen C0950123, MeSH D030342.
Baller-Gerold syndrome (BGS). Also called: CRANIOSYNOSTOSIS WITH RADIAL DEFECTS. Identifiers: Orphanet 1225, MedGen C0265308, MONDO:0009039, OMIM 218600.

Allele frequency attached by ClinVar (database versions not stated): gnomAD exomes below 0.00001 and 0.00001; ExAC 0.00001; gnomAD 0.00001; 1000 Genomes Project 0.00020; 1000 Genomes Project 30x 0.00031.
gnomAD v4.1: 7 of 1,613,352 alleles (0.00043%); highest among the groups gnomAD compares: East Asian, 0.0022%; no homozygotes.

Submissions (2):

Labcorp Genetics (formerly Invitae), Labcorp
Classification: Uncertain significance for Baller-Gerold syndrome. Last evaluated: 2025-08-06. Review status: criteria provided, single submitter. Criteria: Invitae Variant Classification Sherloc (09022015). Collection method: clinical testing. Allele origin: germline.
Comment: This sequence change replaces alanine, which is neutral and non-polar, with valine, which is neutral and non-polar, at codon 305 of the RECQL4 protein (p.Ala305Val). This variant is present in population databases (rs578139890, gnomAD 0.007%). This variant has not been reported in the literature in individuals affected with RECQL4-related conditions. ClinVar contains an entry for this variant (Variation ID: 948544). Invitae Evidence Modeling of protein sequence and biophysical properties (such as structural, functional, and spatial information, amino acid conservation, physicochemical variation, residue mobility, and thermodynamic stability) indicates that this missense variant is not expected to disrupt RECQL4 protein function with a negative predictive value of 80%. Algorithms developed to predict the effect of sequence changes on RNA splicing suggest that this variant may create or strengthen a splice site. In summary, the available evidence is currently insufficient to determine the role of this variant in disease. Therefore, it has been classified as a Variant of Uncertain Significance.

Ambry Genetics
Classification: Uncertain significance for Inborn genetic diseases. Last evaluated: 2025-02-12. Review status: criteria provided, single submitter. Criteria: Ambry Variant Classification Scheme 2023. Collection method: clinical testing. Allele origin: germline.
Comment: The p.A305V variant (also known as c.914C>T), located in coding exon 5 of the RECQL4 gene, results from a C to T substitution at nucleotide position 914. The alanine at codon 305 is replaced by valine, an amino acid with similar properties. This amino acid position is conserved. In addition, this alteration is predicted to be tolerated by in silico analysis. Based on the available evidence, the clinical significance of this variant remains unclear.